The following is an entry in ClinVar:

NM_001378414.1(HDAC4):c.666G>A (p.Ser222=)

Gene: HDAC4 (histone deacetylase 4; minus strand). Cytogenetic location: 2q37.3.
Variant type: single nucleotide variant.
Coding change: c.666G>A on transcript NM_001378414.1 (MANE Select); coding-DNA position 666, G replaced by A.
Protein change: p.Ser222=; no amino-acid change (serine 222 retained).
Molecular consequence: synonymous variant.
Genome position (GRCh38, 1-based): chr2:239,156,719, C>T on the plus strand (G>A on the coding strand, the complement: HDAC4 is on the minus strand). VCF-style: chr2-239156719-C-T. GRCh37 (hg19) VCF-style: chr2-240078415-C-T.
Other names: c.666G>A, p.Ser222= (NM_001378415.1, NM_001378416.1, NM_001378417.1 and 1 more transcripts); c.585G>A, p.Ser195= (NM_001435991.1, NM_001435992.1, NM_001435994.1 and 1 more transcripts); c.522G>A, p.Ser174= (NM_001435993.1); c.651G>A, p.Ser217= (NM_001435996.1).
Identifiers: ClinVar variation 4799663 (VCV004799663.2).

ClinVar aggregate classification (germline): Likely benign. Review status: criteria provided, multiple submitters, no conflicts (2 of 4 stars). 2 submissions from 2 submitters: Likely benign (2). Last evaluated 2026-07-01.

gnomAD v4.1: 23 of 1,613,938 alleles (0.0014%); highest among the groups gnomAD compares: Admixed American, 0.013%; no homozygotes.

Submissions (2):

CeGaT Center for Human Genetics Tuebingen
Classification: Likely benign. Last evaluated: 2026-07-01. Review status: criteria provided, single submitter. Criteria: CeGaT Center For Human Genetics Tuebingen Variant Classification Criteria Version 2. Collection method: clinical testing. Allele origin: germline. Affected: yes. Observed: 1 variant allele.
Comment: HDAC4: BP4, BP7

Labcorp Genetics (formerly Invitae), Labcorp
Classification: Likely benign. Last evaluated: 2025-02-25. Review status: criteria provided, single submitter. Criteria: Invitae Variant Classification Sherloc (09022015). Collection method: clinical testing. Allele origin: germline.